The following is an entry in ClinVar:

ClinVar aggregate classification (germline): Uncertain significance. Review status: criteria provided, multiple submitters, no conflicts (2 of 4 stars). 3 submissions from 3 submitters: Uncertain significance (3). Last evaluated 2026-06-10.

Conditions:
Hereditary cancer-predisposing syndrome. Also called: Hereditary Cancer Syndrome; Neoplastic Syndromes, Hereditary; Tumor predisposition; Hereditary neoplastic syndrome. Identifiers: Orphanet 140162, MedGen C0027672, MeSH D009386, MONDO:0015356.
Breast-ovarian cancer, familial, susceptibility to, 4. Identifiers: Orphanet 145, MedGen C3280345, MONDO:0013669, OMIM 614291.

Submissions (3):

Ambry Genetics
Classification: Uncertain significance for Hereditary cancer-predisposing syndrome. Last evaluated: 2026-06-10. Review status: criteria provided, single submitter. Criteria: Ambry Variant Classification Scheme 2023. Collection method: clinical testing. Allele origin: germline.
Comment: The p.L19F variant (also known as c.55C>T), located in coding exon 1 of the RAD51D gene, results from a C to T substitution at nucleotide position 55. The leucine at codon 19 is replaced by phenylalanine, an amino acid with highly similar properties. This amino acid position is conserved. In addition, this alteration is predicted to be tolerated by in silico analysis. Based on the available evidence, the clinical significance of this variant remains unclear.

Color Diagnostics, LLC DBA Color Health
Classification: Uncertain significance for Hereditary cancer-predisposing syndrome. Last evaluated: 2023-12-04. Review status: criteria provided, single submitter. Criteria: ACMG Guidelines, 2015. Collection method: clinical testing. Allele origin: germline.
Comment: This missense variant replaces leucine with phenylalanine at codon 19 of the RAD51D protein. Computational prediction suggests that this variant may not impact protein structure and function (internally defined REVEL score threshold <= 0.5, PMID: 27666373). To our knowledge, functional studies have not been reported for this variant. This variant has not been reported in individuals affected with RAD51D-related disorders in the literature. This variant has not been identified in the general population by the Genome Aggregation Database (gnomAD). The available evidence is insufficient to determine the role of this variant in disease conclusively. Therefore, this variant is classified as a Variant of Uncertain Significance.

Labcorp Genetics (formerly Invitae), Labcorp
Classification: Uncertain significance for Breast-ovarian cancer, familial, susceptibility to, 4. Last evaluated: 2022-01-27. Review status: criteria provided, single submitter. Criteria: Invitae Variant Classification Sherloc (09022015). Collection method: clinical testing. Allele origin: germline.
Comment: In summary, the available evidence is currently insufficient to determine the role of this variant in disease. Therefore, it has been classified as a Variant of Uncertain Significance. Algorithms developed to predict the effect of missense changes on protein structure and function (SIFT, PolyPhen-2, Align-GVGD) all suggest that this variant is likely to be tolerated. ClinVar contains an entry for this variant (Variation ID: 923860). This variant has not been reported in the literature in individuals affected with RAD51D-related conditions. This variant is not present in population databases (gnomAD no frequency). This sequence change replaces leucine, which is neutral and non-polar, with phenylalanine, which is neutral and non-polar, at codon 19 of the RAD51D protein (p.Leu19Phe).

NM_002878.4(RAD51D):c.55C>T (p.Leu19Phe)

Genes: RAD51D (RAD51 paralog D; minus strand), RAD51L3-RFFL (RAD51L3-RFFL readthrough; minus strand). Cytogenetic location: 17q12.
Variant type: single nucleotide variant.
Coding change: c.55C>T on transcript NM_002878.4 (MANE Select); coding-DNA position 55, C replaced by T.
Protein change: p.Leu19Phe; replaces leucine 19 with phenylalanine.
Molecular consequence: missense variant. On other transcripts: non-coding transcript variant (2).
Genome position (GRCh38, 1-based): chr17:35,119,559, G>A on the plus strand (C>T on the coding strand, the complement: RAD51D is on the minus strand). VCF-style: chr17-35119559-G-A. GRCh37 (hg19) VCF-style: chr17-33446578-G-A.
Other names: c.55C>T, p.Leu19Phe (NM_001142571.2, NM_133629.3); short protein forms L19F.
Identifiers: ClinVar variation 923860 (VCV000923860.10), dbSNP rs2091797904, ClinGen allele CA399092384.
Genomic context (GRCh38, chr17:35,119,559, plus strand): 5'-GCGCGGCTCCCTGGCACGCGCACACCCGGTCACCTGTCTTGATCCTGTGGCTCCTGAGAA[G>A]CTGGATCATCTCCTCGGTAAGGCCAGGGCACAGTCCGACCCTGAGCACGCCCATGTTCCC-3'
Protein context (NP_002869.3, residues 9-29): CPGLTEEMIQ[Leu19Phe]LRSHRIKTVV